The following is an entry in ClinVar:

ClinVar aggregate classification (germline): Uncertain significance (1 of 4 stars; one submission).

gnomAD v4.1: 1 of 1,119,964 alleles (0.000089%); highest among the groups gnomAD compares: African/African-American, 0.0017%; no homozygotes.

Submission:

Labcorp Genetics (formerly Invitae), Labcorp
Classification: Uncertain significance. Last evaluated: 2024-05-19. Review status: criteria provided, single submitter. Criteria: Invitae Variant Classification Sherloc (09022015). Collection method: clinical testing. Allele origin: germline.
Comment: This sequence change replaces alanine, which is neutral and non-polar, with valine, which is neutral and non-polar, at codon 34 of the HTRA1 protein (p.Ala34Val). This variant is not present in population databases (gnomAD no frequency). This variant has not been reported in the literature in individuals affected with HTRA1-related conditions. An algorithm developed to predict the effect of missense changes on protein structure and function (PolyPhen-2) suggests that this variant is likely to be tolerated. In summary, the available evidence is currently insufficient to determine the role of this variant in disease. Therefore, it has been classified as a Variant of Uncertain Significance.

NM_002775.5(HTRA1):c.101C>T (p.Ala34Val)

Gene: HTRA1 (HtrA serine peptidase 1; plus strand). Cytogenetic location: 10q26.13.
Variant type: single nucleotide variant.
Coding change: c.101C>T on transcript NM_002775.5 (MANE Select); coding-DNA position 101, C replaced by T.
Protein change: p.Ala34Val; replaces alanine 34 with valine.
Molecular consequence: missense variant.
Genome position (GRCh38, 1-based): chr10:122,461,753, C>T. VCF-style: chr10-122461753-C-T. GRCh37 (hg19) VCF-style: chr10-124221269-C-T.
Other names: short protein forms A34V.
Identifiers: ClinVar variation 3613805 (VCV003613805.2).